The following is an entry in ClinVar:

NM_001197104.2(KMT2A):c.10601C>T (p.Pro3534Leu)

Gene: KMT2A (lysine methyltransferase 2A; plus strand). Cytogenetic location: 11q23.3.
Variant type: single nucleotide variant.
Coding change: c.10601C>T on transcript NM_001197104.2 (MANE Select); coding-DNA position 10601, C replaced by T.
Protein change: p.Pro3534Leu; replaces proline 3534 with leucine.
Molecular consequence: missense variant.
Genome position (GRCh38, 1-based): chr11:118,506,493, C>T. VCF-style: chr11-118506493-C-T. GRCh37 (hg19) VCF-style: chr11-118377208-C-T.
Other names: c.10691C>T, p.Pro3564Leu (NM_001412597.1); c.10592C>T, p.Pro3531Leu (NM_005933.4); short protein forms P3564L, P3531L, P3534L.
Identifiers: ClinVar variation 3699873 (VCV003699873.2).

ClinVar aggregate classification (germline): Uncertain significance (1 of 4 stars; one submission).

gnomAD v4.1: 19 of 1,614,182 alleles (0.0012%); highest among the groups gnomAD compares: East Asian, 0.0089%; no homozygotes.

Submission:

Labcorp Genetics (formerly Invitae), Labcorp
Classification: Uncertain significance. Last evaluated: 2025-01-07. Review status: criteria provided, single submitter. Criteria: Invitae Variant Classification Sherloc (09022015). Collection method: clinical testing. Allele origin: germline.
Comment: This sequence change replaces proline, which is neutral and non-polar, with leucine, which is neutral and non-polar, at codon 3534 of the KMT2A protein (p.Pro3534Leu). This variant is present in population databases (rs569824221, gnomAD 0.02%). This variant has not been reported in the literature in individuals affected with KMT2A-related conditions. Invitae Evidence Modeling of protein sequence and biophysical properties (such as structural, functional, and spatial information, amino acid conservation, physicochemical variation, residue mobility, and thermodynamic stability) indicates that this missense variant is not expected to disrupt KMT2A protein function with a negative predictive value of 95%. In summary, the available evidence is currently insufficient to determine the role of this variant in disease. Therefore, it has been classified as a Variant of Uncertain Significance.